The following is an entry in ClinVar:

ClinVar aggregate classification (germline): Conflicting classifications of pathogenicity. Review status: criteria provided, conflicting classifications (1 of 4 stars). 6 submissions from 6 submitters: Uncertain significance (1); Likely benign (3). 2 of the submissions do not count toward it. Last evaluated 2026-01-20.

Conditions:
PKHD1-related disorder. Also called: PKHD1-related condition.
Autosomal recessive polycystic kidney disease (ARPKD). Also called: AR polycystic kidney disease. Identifiers: Orphanet 731, Orphanet 8378, MedGen C0085548, MeSH D017044, MONDO:0009889.

Allele frequency attached by ClinVar (database versions not stated): ExAC 0.00008; gnomAD 0.00009; gnomAD exomes 0.00010; TOPMed 0.00012.
gnomAD v4.1: 452 of 1,613,924 alleles (0.028%); highest among the groups gnomAD compares: Non-Finnish European, 0.037%; no homozygotes.

Submissions (6):

Labcorp Genetics (formerly Invitae), Labcorp
Classification: Likely benign for Autosomal recessive polycystic kidney disease. Last evaluated: 2026-01-20. Review status: criteria provided, single submitter. Criteria: Invitae Variant Classification Sherloc (09022015). Collection method: clinical testing. Allele origin: germline.

Blueprint Genetics
Classification: Likely benign. Last evaluated: 2024-10-31. Review status: criteria provided, single submitter. Criteria: ACMG Guidelines, 2015. Collection method: clinical testing. Allele origin: germline.

CeGaT Center for Human Genetics Tuebingen
Classification: Likely benign. Last evaluated: 2023-01-01. Review status: criteria provided, single submitter. Criteria: CeGaT Center For Human Genetics Tuebingen Variant Classification Criteria Version 2. Collection method: clinical testing. Allele origin: germline. Affected: yes. Observed: 1 variant allele.
Comment: PKHD1: BP4, BP7

Eurofins Ntd Llc (ga)
Classification: Uncertain significance. Last evaluated: 2018-07-17. Review status: criteria provided, single submitter. Criteria: EGL ClinVar v180209 classification definitions. Collection method: clinical testing. Allele origin: germline. Observed: 1 variant allele, 1 heterozygote.

PreventionGenetics, part of Exact Sciences
Classification: Likely benign for PKHD1-related condition. Last evaluated: 2019-05-22. Review status: no assertion criteria provided. Collection method: clinical testing. Allele origin: germline. Not counted in ClinVar's aggregate classification.
Comment: This variant is classified as likely benign based on ACMG/AMP sequence variant interpretation guidelines (Richards et al. 2015 PMID: 25741868, with internal and published modifications).

Natera, Inc.
Classification: Uncertain significance for Autosomal recessive polycystic kidney disease. Last evaluated: 2018-05-18. Review status: no assertion criteria provided. Collection method: clinical testing. Allele origin: germline. Not counted in ClinVar's aggregate classification.

NM_138694.4(PKHD1):c.9345A>G (p.Glu3115=)

Gene: PKHD1 (PKHD1 ciliary IPT domain containing fibrocystin/polyductin; minus strand). Cytogenetic location: 6p12.3.
Variant type: single nucleotide variant.
Coding change: c.9345A>G on transcript NM_138694.4 (MANE Select); coding-DNA position 9345, A replaced by G.
Protein change: p.Glu3115=; no amino-acid change (glutamic acid 3115 retained).
Molecular consequence: synonymous variant.
Genome position (GRCh38, 1-based): chr6:51,748,271, T>C on the plus strand (A>G on the coding strand, the complement: PKHD1 is on the minus strand). VCF-style: chr6-51748271-T-C. GRCh37 (hg19) VCF-style: chr6-51613069-T-C.
Other names: c.9345A>G, p.Glu3115= (NM_170724.3).
Identifiers: ClinVar variation 598074 (VCV000598074.41), dbSNP rs760710708, ClinGen allele CA3851405.